The following is an entry in ClinVar:

ClinVar aggregate classification (germline): Pathogenic/Likely pathogenic. Review status: criteria provided, multiple submitters, no conflicts (2 of 4 stars). 3 submissions from 3 submitters: Pathogenic (1); Likely pathogenic (2). Last evaluated 2025-06-08.

Conditions:
LZTR1-related schwannomatosis. Also called: Schwannomatosis-2, susceptibility to; Schwannomatosis 2. Identifiers: Orphanet 93921, MedGen C3810283, MONDO:0014299, OMIM 615670.
Noonan syndrome 2 (NS2). Identifiers: Orphanet 648, MedGen C1854469, MONDO:0011531, OMIM 605275.

Submissions (3):

Dasa
Classification: Likely pathogenic for Noonan syndrome 2. Last evaluated: 2025-06-08. Review status: criteria provided, single submitter. Criteria: DASA Assertion Criteria. Collection method: clinical testing. Allele origin: germline.
Comment: NM_006767.4(LZTR1):c.708C>A (p.Cys236*) is a nonsense variant in LZTR1 predicted to introduce a premature termination codon and is predicted to result in an absent or altered protein product. Loss of function is an established disease mechanism for LZTR1-associated disorders. Also, this variant is absent from population databases. Based on the currently available evidence, this variant is classified as likely pathogenic.

MGZ Medical Genetics Center
Classification: Likely pathogenic for LZTR1-related schwannomatosis. Last evaluated: 2022-06-13. Review status: criteria provided, single submitter. Criteria: ACMG Guidelines, 2015. Collection method: clinical testing. Allele origin: germline. Affected: yes. Observed: 1 variant allele.
Comment: ACMG criteria applied: PVS1, PM2_SUP

Labcorp Genetics (formerly Invitae), Labcorp
Classification: Pathogenic. Last evaluated: 2021-09-09. Review status: criteria provided, single submitter. Criteria: Invitae Variant Classification Sherloc (09022015). Collection method: clinical testing. Allele origin: germline.
Comment: This sequence change creates a premature translational stop signal (p.Cys236*) in the LZTR1 gene. It is expected to result in an absent or disrupted protein product. Loss-of-function variants in LZTR1 are known to be pathogenic (PMID: 24362817, 25335493, 25480913, 29469822, 30442762, 30859559). This variant is not present in population databases (ExAC no frequency). This variant has not been reported in the literature in individuals with LZTR1-related conditions. For these reasons, this variant has been classified as Pathogenic.

Literature cited by the submitters: PubMed 24362817 (cited by Labcorp Genetics (formerly Invitae), Labcorp); PubMed 25335493 (cited by Labcorp Genetics (formerly Invitae), Labcorp); PubMed 25480913 (cited by Labcorp Genetics (formerly Invitae), Labcorp); PubMed 29469822 (cited by Labcorp Genetics (formerly Invitae), Labcorp); PubMed 30442762 (cited by Labcorp Genetics (formerly Invitae), Labcorp); PubMed 30859559 (cited by Labcorp Genetics (formerly Invitae), Labcorp).

NM_006767.4(LZTR1):c.708C>A (p.Cys236Ter)

Gene: LZTR1 (leucine zipper like post translational regulator 1; plus strand). Cytogenetic location: 22q11.21.
Variant type: single nucleotide variant.
Coding change: c.708C>A on transcript NM_006767.4 (MANE Select); coding-DNA position 708, C replaced by A.
Protein change: p.Cys236Ter; replaces cysteine 236 with a stop codon.
Molecular consequence: nonsense.
Genome position (GRCh38, 1-based): chr22:20,990,442, C>A. VCF-style: chr22-20990442-C-A. GRCh37 (hg19) VCF-style: chr22-21344731-C-A.
Other names: short protein forms C236*.
Identifiers: ClinVar variation 1458592 (VCV001458592.10), dbSNP rs2147964053, ClinGen allele CA410780528.